The following is an entry in ClinVar:

NM_000051.4(ATM):c.6722A>C (p.Asn2241Thr)

Genes: ATM (ATM serine/threonine kinase; plus strand), C11orf65 (chromosome 11 open reading frame 65; minus strand). Cytogenetic location: 11q22.3.
Variant type: single nucleotide variant.
Coding change: c.6722A>C on transcript NM_000051.4 (MANE Select); coding-DNA position 6722, A replaced by C.
Protein change: p.Asn2241Thr; replaces asparagine 2241 with threonine.
Molecular consequence: missense variant. On other transcripts: intron variant (2).
Genome position (GRCh38, 1-based): chr11:108,325,459, A>C. VCF-style: chr11-108325459-A-C. GRCh37 (hg19) VCF-style: chr11-108196186-A-C.
Other names: c.6722A>C, p.Asn2241Thr (NM_001351834.2); c.641-16388T>G (NM_001330368.2); c.*38+9761T>G (NM_001351110.2); short protein forms N2241T.
Identifiers: ClinVar variation 578873 (VCV000578873.9), dbSNP rs786202583, ClinGen allele CA382555076.

ClinVar aggregate classification (germline): Uncertain significance. Review status: criteria provided, multiple submitters, no conflicts (2 of 4 stars). 2 submissions from 2 submitters: Uncertain significance (2). Last evaluated 2025-12-05.

Conditions:
Hereditary cancer-predisposing syndrome. Also called: Hereditary Cancer Syndrome; Neoplastic Syndromes, Hereditary; Tumor predisposition; Hereditary neoplastic syndrome. Identifiers: Orphanet 140162, MedGen C0027672, MeSH D009386, MONDO:0015356.
Ataxia-telangiectasia syndrome (AT). Also called: Cerebello-oculocutaneous telangiectasia; Immunodeficiency with ataxia telangiectasia; Ataxia-telangiectasia, complementation group E; Ataxia-telangiectasia, complementation group D; AT, COMPLEMENTATION GROUP C; ATAXIA-TELANGIECTASIA, COMPLEMENTATION GROUP A. Identifiers: Orphanet 100, MedGen C0004135, MONDO:0008840, OMIM 208900.

Submissions (2):

Labcorp Genetics (formerly Invitae), Labcorp
Classification: Uncertain significance for Ataxia-telangiectasia syndrome. Last evaluated: 2025-12-05. Review status: criteria provided, single submitter. Criteria: Invitae Variant Classification Sherloc (09022015). Collection method: clinical testing. Allele origin: germline.
Comment: This sequence change replaces asparagine, which is neutral and polar, with threonine, which is neutral and polar, at codon 2241 of the ATM protein (p.Asn2241Thr). This variant is not present in population databases (gnomAD no frequency). This variant has not been reported in the literature in individuals affected with ATM-related conditions. ClinVar contains an entry for this variant (Variation ID: 578873). Invitae Evidence Modeling of protein sequence and biophysical properties (such as structural, functional, and spatial information, amino acid conservation, physicochemical variation, residue mobility, and thermodynamic stability) indicates that this missense variant is not expected to disrupt ATM protein function with a negative predictive value of 95%. In summary, the available evidence is currently insufficient to determine the role of this variant in disease. Therefore, it has been classified as a Variant of Uncertain Significance.

Ambry Genetics
Classification: Uncertain significance for Hereditary cancer-predisposing syndrome. Last evaluated: 2021-01-11. Review status: criteria provided, single submitter. Criteria: Ambry Variant Classification Scheme 2023. Collection method: clinical testing. Allele origin: germline.
Comment: The p.N2241T variant (also known as c.6722A>C), located in coding exon 45 of the ATM gene, results from an A to C substitution at nucleotide position 6722. The asparagine at codon 2241 is replaced by threonine, an amino acid with similar properties. This amino acid position is poorly conserved in available vertebrate species. In addition, this alteration is predicted to be tolerated by in silico analysis. Since supporting evidence is limited at this time, the clinical significance of this alteration remains unclear.